The following is an entry in ClinVar:

NM_014208.3(DSPP):c.37G>C (p.Ala13Pro)

Genes: DMP1-AS1 (DMP1 and DSPP antisense RNA 1; minus strand), DSPP (dentin sialophosphoprotein; plus strand). Cytogenetic location: 4q22.1.
Variant type: single nucleotide variant.
Coding change: c.37G>C on transcript NM_014208.3 (MANE Select); coding-DNA position 37, G replaced by C.
Protein change: p.Ala13Pro; replaces alanine 13 with proline.
Molecular consequence: missense variant.
Genome position (GRCh38, 1-based): chr4:87,610,945, G>C. VCF-style: chr4-87610945-G-C. GRCh37 (hg19) VCF-style: chr4-88532097-G-C.
Other names: short protein forms A13P.
Identifiers: ClinVar variation 1372943 (VCV001372943.8), dbSNP rs2109994819, ClinGen allele CA357601892.
Genomic context (GRCh38, chr4:87,610,945, plus strand): 5'-TGATTATTATTATTCCTAAAGAAAATGAAGATAATTACATATTTTTGCATTTGGGCAGTA[G>C]CATGGGCCATTCCAGTAAGTATGCCTTTCTTAGAAAACCTCTTCACTTTGTTATCTTTTT-3'
Protein context (NP_055023.2, residues 3-23): IITYFCIWAV[Ala13Pro]WAIPVPQSKP

ClinVar aggregate classification (germline): Uncertain significance (1 of 4 stars; one submission).

Allele frequency attached by ClinVar (database versions not stated): gnomAD exomes below 0.00001.
gnomAD v4.1: 1 of 1,613,364 alleles (0.000062%); highest among the groups gnomAD compares: Non-Finnish European, 0.000085%; no homozygotes.

Submission:

Labcorp Genetics (formerly Invitae), Labcorp
Classification: Uncertain significance. Last evaluated: 2021-02-16. Review status: criteria provided, single submitter. Criteria: Invitae Variant Classification Sherloc (09022015). Collection method: clinical testing. Allele origin: germline.
Comment: In summary, the available evidence is currently insufficient to determine the role of this variant in disease. Therefore, it has been classified as a Variant of Uncertain Significance. Algorithms developed to predict the effect of missense changes on protein structure and function (SIFT, PolyPhen-2, Align-GVGD) all suggest that this variant is likely to be disruptive, but these predictions have not been confirmed by published functional studies and their clinical significance is uncertain. This variant has not been reported in the literature in individuals with DSPP-related conditions. This variant is not present in population databases (ExAC no frequency). This sequence change replaces alanine with proline at codon 13 of the DSPP protein (p.Ala13Pro). The alanine residue is highly conserved and there is a small physicochemical difference between alanine and proline.